The following is an entry in ClinVar:

NM_001287.6(CLCN7):c.489C>T (p.Ile163=)

Gene: CLCN7 (chloride voltage-gated channel 7; minus strand). Cytogenetic location: 16p13.3.
Variant type: single nucleotide variant.
Coding change: c.489C>T on transcript NM_001287.6 (MANE Select); coding-DNA position 489, C replaced by T.
Protein change: p.Ile163=; no amino-acid change (isoleucine 163 retained).
Molecular consequence: synonymous variant.
Genome position (GRCh38, 1-based): chr16:1,460,523, G>A on the plus strand (C>T on the coding strand, the complement: CLCN7 is on the minus strand). VCF-style: chr16-1460523-G-A. GRCh37 (hg19) VCF-style: chr16-1510524-G-A.
Other names: c.417C>T, p.Ile139= (NM_001114331.3); c.489C>T (NM_001287.5).
Identifiers: ClinVar variation 1531867 (VCV001531867.9), dbSNP rs140315822, ClinGen allele CA7810749.

ClinVar aggregate classification (germline): Likely benign. Review status: criteria provided, single submitter (1 of 4 stars). 2 submissions from 2 submitters: Likely benign (1). 1 of the submissions does not count toward it. Last evaluated 2025-12-08.

Conditions:
CLCN7-related disorder. Also called: CLCN7-related condition.

Allele frequency attached by ClinVar (database versions not stated): ESP Exome Variant Server 0.00008; 1000 Genomes Project 30x 0.00016; 1000 Genomes Project 0.00020.
gnomAD v4.1: 83 of 1,611,504 alleles (0.0052%); highest among the groups gnomAD compares: Non-Finnish European, 0.0065%; no homozygotes.

Submissions (2):

Labcorp Genetics (formerly Invitae), Labcorp
Classification: Likely benign. Last evaluated: 2025-12-08. Review status: criteria provided, single submitter. Criteria: Invitae Variant Classification Sherloc (09022015). Collection method: clinical testing. Allele origin: germline.

PreventionGenetics, part of Exact Sciences
Classification: Uncertain significance for CLCN7-related condition. Last evaluated: 2024-08-06. Review status: no assertion criteria provided. Collection method: clinical testing. Allele origin: germline. Not counted in ClinVar's aggregate classification.
Comment: The CLCN7 c.489C>T variant is not predicted to result in an amino acid change (p.=). This variant is predicted to alter splicing based on available splicing prediction software (SpliceAI, Jaganathan et al. 2019. PubMed ID: 30661751). However, the use of computer prediction software is not equivalent to functional evidence. To our knowledge, this variant has not been reported in the literature. This variant is reported in 0.0040% of alleles in individuals of African descent in gnomAD. At this time, the clinical significance of this variant is uncertain due to the absence of conclusive functional and genetic evidence.